The following is an entry in ClinVar:

NM_177438.3(DICER1):c.3359_3360insCCAGAACTAATAA (p.Asn1120_Tyr1121insGlnAsnTer)

Gene: DICER1 (dicer 1, ribonuclease III; minus strand). Cytogenetic location: 14q32.13.
Variant type: Microsatellite.
Coding change: c.3359_3360insCCAGAACTAATAA on transcript NM_177438.3 (MANE Select); coding-DNA positions 3359 to 3360, CCAGAACTAATAA inserted.
Protein change: p.Asn1120_Tyr1121insGlnAsnTer.
Molecular consequence: nonsense, inframe insertion. On other transcripts: frameshift variant (3), non-coding transcript variant (6).
Genome position: GRCh38 VCF-style: chr14-95104036-A-ATTATTAGTTCTGG. GRCh37 (hg19) VCF-style: chr14-95570373-A-ATTATTAGTTCTGG.
Other names: c.3359_3360insCCAGAACTAATAA, p.Asn1120_Tyr1121insGlnAsnTer (NM_001195573.1, NM_001271282.3, NM_001291628.2 and 12 more transcripts); c.3356_3359TAA[2][1], p.Asp1119Valfs (NM_001395681.1, NM_177438.2); c.3077_3078insCCAGAACTAATAA, p.Asn1026_Tyr1027insGlnAsnTer (NM_001395686.1); c.2954_2955insCCAGAACTAATAA, p.Asn985_Tyr986insGlnAsnTer (NM_001395687.1, NM_001395688.1, NM_001395689.1 and 2 more transcripts); c.2792_2793insCCAGAACTAATAA, p.Asn931_Tyr932insGlnAsnTer (NM_001395691.1); c.1676_1677insCCAGAACTAATAA, p.Asn559_Tyr560insGlnAsnTer (NM_001395697.1); c.3359_3360insCCAGAACTAATAA (NM_177438.2).
Identifiers: ClinVar variation 1730570 (VCV001730570.2), dbSNP rs2542719039.
Genomic context (GRCh38, chr14:95,104,036, plus strand): 5'-GGTTCTATTAGCACCTTGATGTGCAGCATTTTCAGGGACAATTGTGCTGTGCTTACAGTA[A>ATTATTAGTTCTGG]TTATCATTTTCAGCTGAAGAGGAGTTAGAAATTGAGATGAAAGATTTGCTGTCAATAGAT-3'

ClinVar aggregate classification (germline): Pathogenic (1 of 4 stars; one submission).

Conditions:
Hereditary cancer-predisposing syndrome. Also called: Neoplastic Syndromes, Hereditary; Tumor predisposition; Hereditary Cancer Syndrome; Hereditary neoplastic syndrome. Identifiers: Orphanet 140162, MedGen C0027672, MeSH D009386, MONDO:0015356.

Submission:

Ambry Genetics
Classification: Pathogenic for Hereditary cancer-predisposing syndrome. Last evaluated: 2020-12-16. Review status: criteria provided, single submitter. Criteria: Ambry Variant Classification Scheme 2023. Collection method: clinical testing. Allele origin: germline.
Comment: The c.3359_3360ins13 pathogenic mutation, located in coding exon 20 of the DICER1 gene, results from an insertion of 13 nucleotides at position 3359, causing a translational frameshift with a predicted alternate stop codon (p.Y1121Qfs*3). This alteration is expected to result in loss of function by premature protein truncation or nonsense-mediated mRNA decay. As such, this alteration is interpreted as a disease-causing mutation.